The following is an entry in ClinVar:

NM_001267550.2(TTN):c.105130A>G (p.Arg35044Gly)

Genes: TTN-AS1 (TTN antisense RNA 1; plus strand), TTN (titin; minus strand). Cytogenetic location: 2q31.2.
Variant type: single nucleotide variant.
Coding change: c.105130A>G on transcript NM_001267550.2 (MANE Select); coding-DNA position 105130, A replaced by G.
Protein change: p.Arg35044Gly; replaces arginine 35044 with glycine.
Molecular consequence: missense variant.
Genome position (GRCh38, 1-based): chr2:178,531,485, T>C on the plus strand (A>G on the coding strand, the complement: TTN is on the minus strand). VCF-style: chr2-178531485-T-C. GRCh37 (hg19) VCF-style: chr2-179396212-T-C.
Other names: c.100207A>G, p.Arg33403Gly (NM_001256850.1); c.77935A>G, p.Arg25979Gly (NM_003319.4); c.97426A>G, p.Arg32476Gly (NM_133378.4); c.78310A>G, p.Arg26104Gly (NM_133432.3); c.78511A>G, p.Arg26171Gly (NM_133437.4); short protein forms R32476G, R25979G, R33403G, R26104G, R26171G, R35044G.
Identifiers: ClinVar variation 2128771 (VCV002128771.4), dbSNP rs2468411723, ClinGen allele CA349409429.

ClinVar aggregate classification (germline): Uncertain significance (1 of 4 stars; one submission).

Conditions:
Dilated cardiomyopathy 1G (CMD1G). Identifiers: Orphanet 154, MedGen C1858763, MONDO:0011400, OMIM 604145.
Autosomal recessive limb-girdle muscular dystrophy type 2J (LGMDR10). Also called: Limb-girdle muscular dystrophy, type 2J; MUSCULAR DYSTROPHY, LIMB-GIRDLE, AUTOSOMAL RECESSIVE 10. Identifiers: Orphanet 140922, MedGen C1837342, MONDO:0012127, OMIM 608807.

Submission:

Labcorp Genetics (formerly Invitae), Labcorp
Classification: Uncertain significance for Dilated cardiomyopathy 1G; Autosomal recessive limb-girdle muscular dystrophy type 2J. Last evaluated: 2022-09-01. Review status: criteria provided, single submitter. Criteria: Invitae Variant Classification Sherloc (09022015). Collection method: clinical testing. Allele origin: germline.
Comment: This sequence change replaces arginine, which is basic and polar, with glycine, which is neutral and non-polar, at codon 35044 of the TTN protein (p.Arg35044Gly). This variant is not present in population databases (gnomAD no frequency). This variant has not been reported in the literature in individuals affected with TTN-related conditions. Experimental studies and prediction algorithms are not available or were not evaluated, and the functional significance of this variant is currently unknown. This variant is located in the M band of TTN (PMID: 25589632). Variants in this region may be relevant for neuromuscular disorders, but have not been definitively shown to cause cardiomyopathy (PMID: 23975875). In summary, the available evidence is currently insufficient to determine the role of this variant in disease. Therefore, it has been classified as a Variant of Uncertain Significance.

Literature cited by the submitters: PubMed 25589632; PubMed 23975875.